The following is an entry in ClinVar:

NM_014629.4(ARHGEF10):c.2307G>C (p.Arg769Ser)

Gene: ARHGEF10 (Rho guanine nucleotide exchange factor 10; plus strand). Cytogenetic location: 8p23.3.
Variant type: single nucleotide variant.
Coding change: c.2307G>C on transcript NM_014629.4 (MANE Select); coding-DNA position 2307, G replaced by C.
Protein change: p.Arg769Ser; replaces arginine 769 with serine.
Molecular consequence: missense variant.
Genome position (GRCh38, 1-based): chr8:1,923,515, G>C. VCF-style: chr8-1923515-G-C. GRCh37 (hg19) VCF-style: chr8-1871681-G-C.
Other names: c.2193G>C, p.Arg731Ser (NM_001308152.2); c.2307G>C, p.Arg769Ser (NM_001308153.3); short protein forms R769S, R731S, R793S.
Identifiers: ClinVar variation 3009112 (VCV003009112.3), dbSNP rs368756089, ClinGen allele CA170611040.

ClinVar aggregate classification (germline): Uncertain significance (1 of 4 stars; one submission).

Allele frequency attached by ClinVar (database versions not stated): gnomAD 0.00003; TOPMed 0.00003; ESP Exome Variant Server 0.00008.

Submission:

Labcorp Genetics (formerly Invitae), Labcorp
Classification: Uncertain significance. Last evaluated: 2023-10-22. Review status: criteria provided, single submitter. Criteria: Invitae Variant Classification Sherloc (09022015). Collection method: clinical testing. Allele origin: germline.
Comment: This sequence change replaces arginine, which is basic and polar, with serine, which is neutral and polar, at codon 769 of the ARHGEF10 protein (p.Arg769Ser). This variant is not present in population databases (gnomAD no frequency). This variant has not been reported in the literature in individuals affected with ARHGEF10-related conditions. Advanced modeling of protein sequence and biophysical properties (such as structural, functional, and spatial information, amino acid conservation, physicochemical variation, residue mobility, and thermodynamic stability) performed at Invitae indicates that this missense variant is not expected to disrupt ARHGEF10 protein function. In summary, the available evidence is currently insufficient to determine the role of this variant in disease. Therefore, it has been classified as a Variant of Uncertain Significance.